The following is an entry in ClinVar:

ClinVar aggregate classification (germline): Uncertain significance (1 of 4 stars; one submission).

Conditions:
Bloom syndrome (BLM). Also called: Bloom-Torre-Machacek syndrome. Identifiers: Orphanet 125, MedGen C0005859, MONDO:0008876, OMIM 210900.

Submission:

Labcorp Genetics (formerly Invitae), Labcorp
Classification: Uncertain significance for Bloom syndrome. Last evaluated: 2024-11-24. Review status: criteria provided, single submitter. Criteria: Invitae Variant Classification Sherloc (09022015). Collection method: clinical testing. Allele origin: germline.
Comment: This sequence change replaces isoleucine, which is neutral and non-polar, with methionine, which is neutral and non-polar, at codon 1150 of the BLM protein (p.Ile1150Met). This variant is not present in population databases (gnomAD no frequency). This variant has not been reported in the literature in individuals affected with BLM-related conditions. Invitae Evidence Modeling of protein sequence and biophysical properties (such as structural, functional, and spatial information, amino acid conservation, physicochemical variation, residue mobility, and thermodynamic stability) indicates that this missense variant is not expected to disrupt BLM protein function with a negative predictive value of 80%. In summary, the available evidence is currently insufficient to determine the role of this variant in disease. Therefore, it has been classified as a Variant of Uncertain Significance.

NM_000057.4(BLM):c.3450A>G (p.Ile1150Met)

Gene: BLM (BLM RecQ like helicase; plus strand). Cytogenetic location: 15q26.1.
Variant type: single nucleotide variant.
Coding change: c.3450A>G on transcript NM_000057.4 (MANE Select); coding-DNA position 3450, A replaced by G.
Protein change: p.Ile1150Met; replaces isoleucine 1150 with methionine.
Molecular consequence: missense variant. On other transcripts: intron variant (1).
Genome position (GRCh38, 1-based): chr15:90,803,612, A>G. VCF-style: chr15-90803612-A-G. GRCh37 (hg19) VCF-style: chr15-91346842-A-G.
Other names: c.3450A>G, p.Ile1150Met (NM_001287246.2); c.2325A>G, p.Ile775Met (NM_001287248.2); c.3358+5275A>G (NM_001287247.2); short protein forms I1150M, I775M.
Identifiers: ClinVar variation 3719192 (VCV003719192.2).